The following is an entry in ClinVar:

ClinVar aggregate classification (germline): Uncertain significance. Review status: criteria provided, multiple submitters, no conflicts (2 of 4 stars). 3 submissions from 3 submitters: Uncertain significance (3). Last evaluated 2026-08-05.

Conditions:
Inborn genetic diseases. Identifiers: MedGen C0950123, MeSH D030342.

Allele frequency attached by ClinVar (database versions not stated): gnomAD 0.00001; gnomAD exomes 0.00004; TOPMed 0.00001; ExAC 0.00004.
gnomAD v4.1: 25 of 1,607,960 alleles (0.0016%); highest among the groups gnomAD compares: South Asian, 0.018%; no homozygotes.

Submissions (3):

Ambry Genetics
Classification: Uncertain significance for Inborn genetic diseases. Last evaluated: 2026-08-05. Review status: criteria provided, single submitter. Criteria: Ambry Variant Classification Scheme 2023. Collection method: clinical testing. Allele origin: germline.
Comment: The c.3896C>T (p.T1299I) alteration is located in exon 35 (coding exon 34) of the NALCN gene. This alteration results from a C to T substitution at nucleotide position 3896, causing the threonine (T) at amino acid position 1299 to be replaced by an isoleucine (I). Based on data from gnomAD, the T allele has an overall frequency of 0.004% (9/245496) total alleles studied. The highest observed frequency was 0.021% (6/29018) of South Asian alleles. Based on insufficient or conflicting evidence, the clinical significance of this alteration remains unclear.

Labcorp Genetics (formerly Invitae), Labcorp
Classification: Uncertain significance. Last evaluated: 2023-08-16. Review status: criteria provided, single submitter. Criteria: Invitae Variant Classification Sherloc (09022015). Collection method: clinical testing. Allele origin: germline.
Comment: This sequence change replaces threonine, which is neutral and polar, with isoleucine, which is neutral and non-polar, at codon 1299 of the NALCN protein (p.Thr1299Ile). This variant is present in population databases (rs768279312, gnomAD 0.02%). This variant has not been reported in the literature in individuals affected with NALCN-related conditions. ClinVar contains an entry for this variant (Variation ID: 1311799). Advanced modeling of protein sequence and biophysical properties (such as structural, functional, and spatial information, amino acid conservation, physicochemical variation, residue mobility, and thermodynamic stability) performed at Invitae indicates that this missense variant is not expected to disrupt NALCN protein function. In summary, the available evidence is currently insufficient to determine the role of this variant in disease. Therefore, it has been classified as a Variant of Uncertain Significance.

GeneDx
Classification: Uncertain significance. Last evaluated: 2020-01-14. Review status: criteria provided, single submitter. Criteria: GeneDx Variant Classification Process June 2021. Collection method: clinical testing. Allele origin: germline. Affected: yes.
Comment: In silico analysis, which includes protein predictors and evolutionary conservation, supports a deleterious effect; Has not been previously published as pathogenic or benign to our knowledge

NM_052867.4(NALCN):c.3896C>T (p.Thr1299Ile)

Gene: NALCN (sodium leak channel, non-selective; minus strand). Cytogenetic location: 13q32.3.
Variant type: single nucleotide variant.
Coding change: c.3896C>T on transcript NM_052867.4 (MANE Select); coding-DNA position 3896, C replaced by T.
Protein change: p.Thr1299Ile; replaces threonine 1299 with isoleucine.
Molecular consequence: missense variant.
Genome position (GRCh38, 1-based): chr13:101,075,931, G>A on the plus strand (C>T on the coding strand, the complement: NALCN is on the minus strand). VCF-style: chr13-101075931-G-A. GRCh37 (hg19) VCF-style: chr13-101728282-G-A.
Other names: c.3983C>T, p.Thr1328Ile (NM_001350748.2); c.3896C>T, p.Thr1299Ile (NM_001350749.2); c.3809C>T, p.Thr1270Ile (NM_001350750.2, NM_001350751.2); short protein forms T1270I, T1299I, T1328I.
Identifiers: ClinVar variation 1311799 (VCV001311799.7), dbSNP rs768279312, ClinGen allele CA7035255.